The following is an entry in ClinVar:

NM_001370259.2(MEN1):c.1725C>G (p.Ile575Met)

Gene: MEN1 (menin 1; minus strand). Cytogenetic location: 11q13.1.
Variant type: single nucleotide variant.
Coding change: c.1725C>G on transcript NM_001370259.2 (MANE Select); coding-DNA position 1725, C replaced by G.
Protein change: p.Ile575Met; replaces isoleucine 575 with methionine.
Molecular consequence: missense variant.
Genome position (GRCh38, 1-based): chr11:64,804,442, G>C on the plus strand (C>G on the coding strand, the complement: MEN1 is on the minus strand). VCF-style: chr11-64804442-G-C. GRCh37 (hg19) VCF-style: chr11-64571914-G-C.
Other names: c.1740C>G, p.Ile580Met (NM_000244.4, NM_130800.3, NM_130801.3 and 3 more transcripts); c.1851C>G, p.Ile617Met (NM_001370251.2); c.1725C>G, p.Ile575Met (NM_001370260.2, NM_001370261.2, NM_130799.3); c.1620C>G, p.Ile540Met (NM_001370262.2, NM_001370263.2); short protein forms I617M, I540M, I575M, I580M.
Identifiers: ClinVar variation 1463994 (VCV001463994.8), dbSNP rs1941495298, ClinGen allele CA381177561.

ClinVar aggregate classification (germline): Uncertain significance (1 of 4 stars; one submission).

Conditions:
Multiple endocrine neoplasia, type 1 (MEN1). Also called: MEN I; WERMER SYNDROME; Endocrine adenomatosis multiple; MEN 1; MEA I. Identifiers: Orphanet 652, MedGen C0025267, MeSH D018761, MONDO:0007540, OMIM 131100.

Submission:

Labcorp Genetics (formerly Invitae), Labcorp
Classification: Uncertain significance for Multiple endocrine neoplasia, type 1. Last evaluated: 2024-02-22. Review status: criteria provided, single submitter. Criteria: Invitae Variant Classification Sherloc (09022015). Collection method: clinical testing. Allele origin: germline.
Comment: This sequence change replaces isoleucine, which is neutral and non-polar, with methionine, which is neutral and non-polar, at codon 575 of the MEN1 protein (p.Ile575Met). This variant is not present in population databases (gnomAD no frequency). This variant has not been reported in the literature in individuals affected with MEN1-related conditions. ClinVar contains an entry for this variant (Variation ID: 1463994). Advanced modeling of protein sequence and biophysical properties (such as structural, functional, and spatial information, amino acid conservation, physicochemical variation, residue mobility, and thermodynamic stability) performed at Invitae indicates that this missense variant is expected to disrupt MEN1 protein function with a positive predictive value of 95%. In summary, the available evidence is currently insufficient to determine the role of this variant in disease. Therefore, it has been classified as a Variant of Uncertain Significance.